The following is an entry in ClinVar:

NM_018249.6(CDK5RAP2):c.1471G>C (p.Val491Leu)

Gene: CDK5RAP2 (CDK5 regulatory subunit associated protein 2; minus strand). Cytogenetic location: 9q33.2.
Variant type: single nucleotide variant.
Coding change: c.1471G>C on transcript NM_018249.6 (MANE Select); coding-DNA position 1471, G replaced by C.
Protein change: p.Val491Leu; replaces valine 491 with leucine.
Molecular consequence: missense variant. On other transcripts: non-coding transcript variant (5).
Genome position (GRCh38, 1-based): chr9:120,491,318, C>G on the plus strand (G>C on the coding strand, the complement: CDK5RAP2 is on the minus strand). VCF-style: chr9-120491318-C-G. GRCh37 (hg19) VCF-style: chr9-123253596-C-G.
Other names: c.1471G>C, p.Val491Leu (NM_001011649.3, NM_001272039.2, NM_001410992.1 and 2 more transcripts); short protein forms V491L.
Identifiers: ClinVar variation 2041425 (VCV002041425.4), dbSNP rs545667575, ClinGen allele CA374714726.

ClinVar aggregate classification (germline): Uncertain significance (1 of 4 stars; one submission).

gnomAD v4.1: 7 of 1,612,690 alleles (0.00043%); highest among the groups gnomAD compares: Non-Finnish European, 0.00059%; no homozygotes.

Submission:

Labcorp Genetics (formerly Invitae), Labcorp
Classification: Uncertain significance. Last evaluated: 2022-08-05. Review status: criteria provided, single submitter. Criteria: Invitae Variant Classification Sherloc (09022015). Collection method: clinical testing. Allele origin: germline.
Comment: This sequence change replaces valine, which is neutral and non-polar, with leucine, which is neutral and non-polar, at codon 491 of the CDK5RAP2 protein (p.Val491Leu). This variant is present in population databases (no rsID available, gnomAD 0.0009%). This variant has not been reported in the literature in individuals affected with CDK5RAP2-related conditions. Algorithms developed to predict the effect of missense changes on protein structure and function output the following: SIFT: "Tolerated"; PolyPhen-2: "Benign"; Align-GVGD: "Class C0". The leucine amino acid residue is found in multiple mammalian species, which suggests that this missense change does not adversely affect protein function. In summary, the available evidence is currently insufficient to determine the role of this variant in disease. Therefore, it has been classified as a Variant of Uncertain Significance.